The following is an entry in ClinVar:

ClinVar aggregate classification (germline): Uncertain significance. Review status: criteria provided, single submitter (1 of 4 stars). 2 submissions from 2 submitters: Uncertain significance (1). 1 of the submissions does not count toward it. Last evaluated 2025-06-22.

Conditions:
Combined malonic and methylmalonic acidemia. Identifiers: Orphanet 289504, MedGen C3280314, MONDO:0013661, OMIM 614265.

Allele frequency attached by ClinVar (database versions not stated): TOPMed 0.00001.
gnomAD v4.1: 30 of 1,613,898 alleles (0.0019%); highest among the groups gnomAD compares: Admixed American, 0.0083%; no homozygotes.

Submissions (2):

Labcorp Genetics (formerly Invitae), Labcorp
Classification: Uncertain significance for Combined malonic and methylmalonic acidemia. Last evaluated: 2025-06-22. Review status: criteria provided, single submitter. Criteria: Invitae Variant Classification Sherloc (09022015). Collection method: clinical testing. Allele origin: germline.
Comment: This sequence change replaces arginine, which is basic and polar, with tryptophan, which is neutral and slightly polar, at codon 354 of the ACSF3 protein (p.Arg354Trp). This variant is present in population databases (rs761084443, gnomAD 0.006%). This variant has not been reported in the literature in individuals affected with ACSF3-related conditions. ClinVar contains an entry for this variant (Variation ID: 971160). Invitae Evidence Modeling of protein sequence and biophysical properties (such as structural, functional, and spatial information, amino acid conservation, physicochemical variation, residue mobility, and thermodynamic stability) indicates that this missense variant is expected to disrupt ACSF3 protein function with a positive predictive value of 95%. In summary, the available evidence is currently insufficient to determine the role of this variant in disease. Therefore, it has been classified as a Variant of Uncertain Significance.

Natera, Inc.
Classification: Uncertain significance for Combined malonic and methylmalonic aciduria. Last evaluated: 2021-03-30. Review status: no assertion criteria provided. Collection method: clinical testing. Allele origin: germline. Not counted in ClinVar's aggregate classification.

NM_001243279.3(ACSF3):c.1060C>T (p.Arg354Trp)

Genes: ACSF3 (acyl-CoA synthetase family member 3; plus strand), LOC125177393 (P300/CBP strongly-dependent group 1 enhancer GRCh37_chr16:89180375-89181574; plus strand). Cytogenetic location: 16q24.3.
Variant type: single nucleotide variant.
Coding change: c.1060C>T on transcript NM_001243279.3 (MANE Select); coding-DNA position 1060, C replaced by T.
Protein change: p.Arg354Trp; replaces arginine 354 with tryptophan.
Molecular consequence: missense variant. On other transcripts: non-coding transcript variant (2).
Genome position (GRCh38, 1-based): chr16:89,114,421, C>T. VCF-style: chr16-89114421-C-T. GRCh37 (hg19) VCF-style: chr16-89180829-C-T.
Other names: c.1060C>T, p.Arg354Trp (NM_001127214.4, NM_174917.5); c.265C>T, p.Arg89Trp (NM_001284316.2); short protein forms R354W, R89W.
Identifiers: ClinVar variation 971160 (VCV000971160.11), dbSNP rs761084443, ClinGen allele CA8237943.